The following is an entry in ClinVar:

ClinVar aggregate classification (germline): Uncertain significance (1 of 4 stars; one submission).

Conditions:
Paroxysmal nonkinesigenic dyskinesia. Also called: Paroxysmal non-kinesigenic dyskinesia. Identifiers: Orphanet 98810, MedGen C1869117, MONDO:0700088.

Submission:

Labcorp Genetics (formerly Invitae), Labcorp
Classification: Uncertain significance for Paroxysmal nonkinesigenic dyskinesia. Last evaluated: 2024-02-17. Review status: criteria provided, single submitter. Criteria: Invitae Variant Classification Sherloc (09022015). Collection method: clinical testing. Allele origin: germline.
Comment: This sequence change replaces glycine, which is neutral and non-polar, with valine, which is neutral and non-polar, at codon 179 of the PNKD protein (p.Gly179Val). This variant is not present in population databases (gnomAD no frequency). This variant has not been reported in the literature in individuals affected with PNKD-related conditions. ClinVar contains an entry for this variant (Variation ID: 859058). Advanced modeling of protein sequence and biophysical properties (such as structural, functional, and spatial information, amino acid conservation, physicochemical variation, residue mobility, and thermodynamic stability) performed at Invitae indicates that this missense variant is expected to disrupt PNKD protein function with a positive predictive value of 80%. In summary, the available evidence is currently insufficient to determine the role of this variant in disease. Therefore, it has been classified as a Variant of Uncertain Significance.

NM_015488.5(PNKD):c.536G>T (p.Gly179Val)

Genes: PNKD (PNKD metallo-beta-lactamase domain containing; plus strand), CATIP-AS2 (CATIP antisense RNA 2; minus strand). Cytogenetic location: 2q35.
Variant type: single nucleotide variant.
Coding change: c.536G>T on transcript NM_015488.5 (MANE Select); coding-DNA position 536, G replaced by T.
Protein change: p.Gly179Val; replaces glycine 179 with valine.
Molecular consequence: missense variant.
Genome position (GRCh38, 1-based): chr2:218,341,545, G>T. VCF-style: chr2-218341545-G-T. GRCh37 (hg19) VCF-style: chr2-219206268-G-T.
Other names: c.464G>T, p.Gly155Val (NM_022572.5); short protein forms G179V, G155V.
Identifiers: ClinVar variation 859058 (VCV000859058.9), dbSNP rs1694676356, ClinGen allele CA350540325.